The following is an entry in ClinVar:

NM_001184.4(ATR):c.1650G>C (p.Leu550Phe)

Gene: ATR (ATR checkpoint kinase; minus strand). Cytogenetic location: 3q23.
Variant type: single nucleotide variant.
Coding change: c.1650G>C on transcript NM_001184.4 (MANE Select); coding-DNA position 1650, G replaced by C.
Protein change: p.Leu550Phe; replaces leucine 550 with phenylalanine.
Molecular consequence: missense variant.
Genome position (GRCh38, 1-based): chr3:142,559,333, C>G on the plus strand (G>C on the coding strand, the complement: ATR is on the minus strand). VCF-style: chr3-142559333-C-G. GRCh37 (hg19) VCF-style: chr3-142278175-C-G.
Other names: c.1458G>C, p.Leu486Phe (NM_001354579.2); short protein forms L550F, L486F.
Identifiers: ClinVar variation 843600 (VCV000843600.9), dbSNP rs768509782, ClinGen allele CA2650543.

ClinVar aggregate classification (germline): Uncertain significance (1 of 4 stars; one submission).

Allele frequency attached by ClinVar (database versions not stated): gnomAD exomes below 0.00001; ExAC 0.00001.
gnomAD v4.1: 1 of 1,613,962 alleles (0.000062%); highest among the groups gnomAD compares: South Asian, 0.0011%; no homozygotes.

Submission:

Labcorp Genetics (formerly Invitae), Labcorp
Classification: Uncertain significance. Last evaluated: 2019-11-19. Review status: criteria provided, single submitter. Criteria: Invitae Variant Classification Sherloc (09022015). Collection method: clinical testing. Allele origin: germline.
Comment: This sequence change replaces leucine with phenylalanine at codon 550 of the ATR protein (p.Leu550Phe). The leucine residue is moderately conserved and there is a small physicochemical difference between leucine and phenylalanine. This variant is present in population databases (rs768509782, ExAC 0.006%). This variant has not been reported in the literature in individuals with ATR-related conditions. Algorithms developed to predict the effect of missense changes on protein structure and function (SIFT, PolyPhen-2, Align-GVGD) all suggest that this variant is likely to be tolerated, but these predictions have not been confirmed by published functional studies and their clinical significance is uncertain. In summary, the available evidence is currently insufficient to determine the role of this variant in disease. Therefore, it has been classified as a Variant of Uncertain Significance.